The following is an entry in ClinVar:

ClinVar aggregate classification (germline): Uncertain significance. Review status: criteria provided, single submitter (1 of 4 stars). 2 submissions from 2 submitters: Uncertain significance (1). 1 of the submissions does not count toward it. Last evaluated 2025-01-06.

Conditions:
Biotinidase deficiency. Also called: BTD deficiency; Late-onset biotin-responsive multiple carboxylase deficiency; Biotin deficiency. Identifiers: Orphanet 79241, MedGen C0220754, MONDO:0009665, OMIM 253260.

Allele frequency attached by ClinVar (database versions not stated): ExAC 0.00011.
gnomAD v4.1: 53 of 1,614,216 alleles (0.0033%); highest among the groups gnomAD compares: South Asian, 0.057%; no homozygotes.

Submissions (2):

Labcorp Genetics (formerly Invitae), Labcorp
Classification: Uncertain significance for Biotinidase deficiency. Last evaluated: 2025-01-06. Review status: criteria provided, single submitter. Criteria: Invitae Variant Classification Sherloc (09022015). Collection method: clinical testing. Allele origin: germline.
Comment: This sequence change replaces histidine, which is basic and polar, with arginine, which is basic and polar, at codon 379 of the BTD protein (p.His379Arg). This variant is present in population databases (rs763540316, gnomAD 0.08%). This variant has not been reported in the literature in individuals affected with BTD-related conditions. ClinVar contains an entry for this variant (Variation ID: 662196). An algorithm developed to predict the effect of missense changes on protein structure and function outputs the following: PolyPhen-2: "Benign". The arginine amino acid residue is found in multiple mammalian species, which suggests that this missense change does not adversely affect protein function. In summary, the available evidence is currently insufficient to determine the role of this variant in disease. Therefore, it has been classified as a Variant of Uncertain Significance.

Natera, Inc.
Classification: Uncertain significance for Biotinidase deficiency. Last evaluated: 2020-11-03. Review status: no assertion criteria provided. Collection method: clinical testing. Allele origin: germline. Not counted in ClinVar's aggregate classification.

NM_001370658.1(BTD):c.1076A>G (p.His359Arg)

Gene: BTD (biotinidase; plus strand). Cytogenetic location: 3p25.1.
Variant type: single nucleotide variant.
Coding change: c.1076A>G on transcript NM_001370658.1 (MANE Select); coding-DNA position 1076, A replaced by G.
Protein change: p.His359Arg; replaces histidine 359 with arginine.
Molecular consequence: missense variant. On other transcripts: intron variant (8).
Genome position (GRCh38, 1-based): chr3:15,644,992, A>G. VCF-style: chr3-15644992-A-G. GRCh37 (hg19) VCF-style: chr3-15686499-A-G.
Other names: c.1136A>G, p.His379Arg (NM_000060.4); c.1076A>G, p.His359Arg (NM_001407371.1, NM_001407372.1, NM_001407373.1 and 16 more transcripts); c.1015+61A>G (NM_001370752.1, NM_001407379.1); c.399+2935A>G (NM_001370753.1, NM_001407400.1, NM_001407380.1 and 3 more transcripts); short protein forms H359R, H379R.
Identifiers: ClinVar variation 662196 (VCV000662196.12), dbSNP rs763540316, ClinGen allele CA2277428.